The following is an entry in ClinVar:

ClinVar aggregate classification (germline): Uncertain significance (1 of 4 stars; one submission).

Conditions:
Hereditary cancer-predisposing syndrome. Also called: Neoplastic Syndromes, Hereditary; Hereditary neoplastic syndrome; Tumor predisposition; Hereditary Cancer Syndrome. Identifiers: Orphanet 140162, MedGen C0027672, MeSH D009386, MONDO:0015356.

Submission:

Ambry Genetics
Classification: Uncertain significance for Hereditary cancer-predisposing syndrome. Last evaluated: 2023-03-07. Review status: criteria provided, single submitter. Criteria: Ambry Variant Classification Scheme 2023. Collection method: clinical testing. Allele origin: germline.
Comment: The p.P799A variant (also known as c.2395C>G), located in coding exon 15 of the CDH1 gene, results from a C to G substitution at nucleotide position 2395. The proline at codon 799 is replaced by alanine, an amino acid with highly similar properties. This amino acid position is conserved. In addition, the in silico prediction for this alteration is inconclusive. Since supporting evidence is limited at this time, the clinical significance of this alteration remains unclear.

NM_004360.5(CDH1):c.2395C>G (p.Pro799Ala)

Gene: CDH1 (cadherin 1; plus strand). Cytogenetic location: 16q22.1.
Variant type: single nucleotide variant.
Coding change: c.2395C>G on transcript NM_004360.5 (MANE Select); coding-DNA position 2395, C replaced by G.
Protein change: p.Pro799Ala; replaces proline 799 with alanine.
Molecular consequence: missense variant.
Genome position (GRCh38, 1-based): chr16:68,829,753, C>G. VCF-style: chr16-68829753-C-G. GRCh37 (hg19) VCF-style: chr16-68863656-C-G.
Other names: c.2212C>G, p.Pro738Ala (NM_001317184.2); c.847C>G, p.Pro283Ala (NM_001317185.2); c.430C>G, p.Pro144Ala (NM_001317186.2); short protein forms P738A, P144A, P799A, P283A.
Identifiers: ClinVar variation 2494260 (VCV002494260.2), dbSNP rs1596972749, ClinGen allele CA396471190.